The following is an entry in ClinVar:

ClinVar aggregate classification (germline): Uncertain significance. Review status: criteria provided, multiple submitters, no conflicts (2 of 4 stars). 4 submissions from 4 submitters: Uncertain significance (4). Last evaluated 2026-02-27.

Conditions:
Inborn genetic diseases. Identifiers: MedGen C0950123, MeSH D030342.
LRP5-related disorder. Also called: LRP5-related condition.

Allele frequency attached by ClinVar (database versions not stated): ExAC 0.00001; gnomAD 0.00001; TOPMed 0.00002.
gnomAD v4.1: 18 of 1,613,328 alleles (0.0011%); highest among the groups gnomAD compares: African/African-American, 0.0027%; no homozygotes.

Submissions (4):

PreventionGenetics, part of Exact Sciences
Classification: Uncertain significance for LRP5-related condition. Last evaluated: 2026-02-27. Review status: criteria provided, single submitter. Criteria: ACMG Guidelines, 2015. Collection method: clinical testing. Allele origin: germline.
Comment: The LRP5 c.3568C>T variant is predicted to result in the amino acid substitution p.Arg1190Cys. To our knowledge, this variant has not been reported in the literature. This variant is reported in 0.0033% of alleles in individuals of South Asian descent in gnomAD. At this time, the clinical significance of this variant is uncertain due to the absence of conclusive functional and genetic evidence.

Labcorp Genetics (formerly Invitae), Labcorp
Classification: Uncertain significance. Last evaluated: 2025-08-18. Review status: criteria provided, single submitter. Criteria: Invitae Variant Classification Sherloc (09022015). Collection method: clinical testing. Allele origin: germline.
Comment: This sequence change replaces arginine, which is basic and polar, with cysteine, which is neutral and slightly polar, at codon 1190 of the LRP5 protein (p.Arg1190Cys). This variant is present in population databases (rs767540992, gnomAD 0.003%). This variant has not been reported in the literature in individuals affected with LRP5-related conditions. ClinVar contains an entry for this variant (Variation ID: 1712711). Invitae Evidence Modeling of protein sequence and biophysical properties (such as structural, functional, and spatial information, amino acid conservation, physicochemical variation, residue mobility, and thermodynamic stability) indicates that this missense variant is not expected to disrupt LRP5 protein function with a negative predictive value of 95%. In summary, the available evidence is currently insufficient to determine the role of this variant in disease. Therefore, it has been classified as a Variant of Uncertain Significance.

Ambry Genetics
Classification: Uncertain significance for Inborn genetic diseases. Last evaluated: 2024-11-26. Review status: criteria provided, single submitter. Criteria: Ambry Variant Classification Scheme 2023. Collection method: clinical testing. Allele origin: germline.

GeneDx
Classification: Uncertain significance. Last evaluated: 2022-04-25. Review status: criteria provided, single submitter. Criteria: GeneDx Variant Classification Process June 2021. Collection method: clinical testing. Allele origin: germline. Affected: yes.
Comment: In silico analysis supports that this missense variant has a deleterious effect on protein structure/function; Has not been previously published as pathogenic or benign to our knowledge

NM_002335.4(LRP5):c.3568C>T (p.Arg1190Cys)

Gene: LRP5 (LDL receptor related protein 5; plus strand). Cytogenetic location: 11q13.2.
Variant type: single nucleotide variant.
Coding change: c.3568C>T on transcript NM_002335.4 (MANE Select); coding-DNA position 3568, C replaced by T.
Protein change: p.Arg1190Cys; replaces arginine 1190 with cysteine.
Molecular consequence: missense variant.
Genome position (GRCh38, 1-based): chr11:68,426,118, C>T. VCF-style: chr11-68426118-C-T. GRCh37 (hg19) VCF-style: chr11-68193586-C-T.
Other names: c.1825C>T, p.Arg609Cys (NM_001291902.2); c.3568C>T (NM_002335.3); short protein forms R1190C, R609C.
Identifiers: ClinVar variation 1712711 (VCV001712711.10), dbSNP rs767540992, ClinGen allele CA6150034.